The following is an entry in ClinVar:

NM_001080449.3(DNA2):c.1585G>T (p.Ala529Ser)

Gene: DNA2 (DNA replication helicase/nuclease 2; minus strand). Cytogenetic location: 10q21.3.
Variant type: single nucleotide variant.
Coding change: c.1585G>T on transcript NM_001080449.3 (MANE Select); coding-DNA position 1585, G replaced by T.
Protein change: p.Ala529Ser; replaces alanine 529 with serine.
Molecular consequence: missense variant. On other transcripts: non-coding transcript variant (1).
Genome position (GRCh38, 1-based): chr10:68,437,072, C>A on the plus strand (G>T on the coding strand, the complement: DNA2 is on the minus strand). VCF-style: chr10-68437072-C-A. GRCh37 (hg19) VCF-style: chr10-70196829-C-A.
Other names: p.Ala529Ser; short protein forms A529S.
Identifiers: ClinVar variation 738741 (VCV000738741.10), dbSNP rs187660163, ClinGen allele CA5525037.

ClinVar aggregate classification (germline): Benign. Review status: criteria provided, multiple submitters, no conflicts (2 of 4 stars). 2 submissions from 2 submitters: Benign (2). Last evaluated 2026-01-24.

Allele frequency attached by ClinVar (database versions not stated): TOPMed 0.00024; 1000 Genomes Project 30x 0.00031; ESP Exome Variant Server 0.00033; 1000 Genomes Project 0.00040; gnomAD exomes 0.00096 and 0.00200; gnomAD 0.00147 and 0.00158; ExAC 0.00181.
gnomAD v4.1: 1,644 of 1,613,910 alleles (0.1%); highest among the groups gnomAD compares: Non-Finnish European, 0.039%; 15 homozygotes.

Submissions (2):

Labcorp Genetics (formerly Invitae), Labcorp
Classification: Benign. Last evaluated: 2026-01-24. Review status: criteria provided, single submitter. Criteria: Invitae Variant Classification Sherloc (09022015). Collection method: clinical testing. Allele origin: germline.

Mayo Clinic Laboratories, Mayo Clinic
Classification: Benign. Last evaluated: 2023-11-27. Review status: criteria provided, single submitter. Criteria: ACMG Guidelines, 2015. Collection method: clinical testing. Allele origin: germline. Observed: 2 variant alleles.
Comment: BA1, BS2